The following is an entry in ClinVar:

NM_000077.5(CDKN2A):c.150+152C>T

Gene: CDKN2A (cyclin dependent kinase inhibitor 2A; minus strand). Cytogenetic location: 9p21.3.
Variant type: single nucleotide variant.
Coding change: c.150+152C>T on transcript NM_000077.5 (MANE Select); 152 bases into the intron after coding-DNA position 150, C replaced by T.
Molecular consequence: intron variant. On other transcripts: missense variant (1).
Genome position (GRCh38, 1-based): chr9:21,974,526, G>A on the plus strand (C>T on the coding strand, the complement: CDKN2A is on the minus strand). VCF-style: chr9-21974526-G-A. GRCh37 (hg19) VCF-style: chr9-21974525-G-A.
Other names: c.302C>T, p.Pro101Leu (NM_058197.5); c.-3-3318C>T (NM_001363763.2); c.194-3318C>T (NM_058195.4); c.150+152C>T (NM_001195132.2); short protein forms P101L.
Identifiers: ClinVar variation 3044982 (VCV003044982.2), dbSNP rs75256133, ClinGen allele CA5012267.

ClinVar aggregate classification (germline): Likely benign (0 of 4 stars; one submission).

Conditions:
CDKN2A-related disorder. Also called: CDKN2A-related condition.

Allele frequency attached by ClinVar (database versions not stated): TOPMed 0.00004; gnomAD 0.00021; 1000 Genomes Project 0.00200; ExAC 0.00013; gnomAD exomes 0.00031; 1000 Genomes Project 30x 0.00156.
gnomAD v4.1: 463 of 1,613,234 alleles (0.029%); highest among the groups gnomAD compares: East Asian, 1%; 7 homozygotes.

Submission:

PreventionGenetics, part of Exact Sciences
Classification: Likely benign for CDKN2A-related condition. Last evaluated: 2023-10-20. Review status: no assertion criteria provided. Collection method: clinical testing. Allele origin: germline.
Comment: This variant is classified as likely benign based on ACMG/AMP sequence variant interpretation guidelines (Richards et al. 2015 PMID: 25741868, with internal and published modifications).